The following is an entry in ClinVar:

NM_001458.5(FLNC):c.6202A>C (p.Asn2068His)

Genes: FLNC-AS1 (FLNC antisense RNA 1; minus strand), FLNC (filamin C; plus strand). Cytogenetic location: 7q32.1.
Variant type: single nucleotide variant.
Coding change: c.6202A>C on transcript NM_001458.5 (MANE Select); coding-DNA position 6202, A replaced by C.
Protein change: p.Asn2068His; replaces asparagine 2068 with histidine.
Molecular consequence: missense variant.
Genome position (GRCh38, 1-based): chr7:128,853,025, A>C. VCF-style: chr7-128853025-A-C. GRCh37 (hg19) VCF-style: chr7-128493079-A-C.
Other names: c.6103A>C, p.Asn2035His (NM_001127487.2); short protein forms N2035H, N2068H.
Identifiers: ClinVar variation 3751015 (VCV003751015.2).

ClinVar aggregate classification (germline): Uncertain significance (1 of 4 stars; one submission).

Conditions:
Distal myopathy with posterior leg and anterior hand involvement. Also called: WILLIAMS DISTAL MYOPATHY. Identifiers: Orphanet 63273, MedGen C3279722, MONDO:0013550, OMIM 614065.
Hypertrophic cardiomyopathy 26. Also called: Cardiomyopathy, familial hypertrophic, 26. Identifiers: Orphanet 75249, MedGen C4310749, MONDO:0014883, OMIM 617047.
Myofibrillar myopathy 5. Also called: Filaminopathy (type); FILAMINOPATHY, AUTOSOMAL DOMINANT. Identifiers: Orphanet 171445, MedGen C1836050, MONDO:0012289, OMIM 609524.

Submission:

Labcorp Genetics (formerly Invitae), Labcorp
Classification: Uncertain significance for Distal myopathy with posterior leg and anterior hand involvement; Myofibrillar myopathy 5; Hypertrophic cardiomyopathy 26. Last evaluated: 2024-05-21. Review status: criteria provided, single submitter. Criteria: Invitae Variant Classification Sherloc (09022015). Collection method: clinical testing. Allele origin: germline.
Comment: This sequence change replaces asparagine, which is neutral and polar, with histidine, which is basic and polar, at codon 2068 of the FLNC protein (p.Asn2068His). This variant is not present in population databases (gnomAD no frequency). This variant has not been reported in the literature in individuals affected with FLNC-related conditions. Advanced modeling of protein sequence and biophysical properties (such as structural, functional, and spatial information, amino acid conservation, physicochemical variation, residue mobility, and thermodynamic stability) has been performed at Invitae for this missense variant, however the output from this modeling did not meet the statistical confidence thresholds required to predict the impact of this variant on FLNC protein function. In summary, the available evidence is currently insufficient to determine the role of this variant in disease. Therefore, it has been classified as a Variant of Uncertain Significance.